The following is an entry in ClinVar:

ClinVar aggregate classification (germline): Uncertain significance (1 of 4 stars; one submission).

Submission:

Women's Health and Genetics/Laboratory Corporation of America, LabCorp
Classification: Uncertain significance. Last evaluated: 2024-03-15. Review status: criteria provided, single submitter. Criteria: LabCorp Variant Classification Summary - May 2015. Collection method: clinical testing. Allele origin: germline.
Comment: Variant summary: LPL c.1394G>A (p.Cys465Tyr) results in a non-conservative amino acid change in the encoded protein sequence. Five of five in-silico tools predict a damaging effect of the variant on protein function. The variant was absent in 251262 control chromosomes. The available data on variant occurrences in the general population are insufficient to allow any conclusion about variant significance. c.1394G>A has been reported in the literature at a homozygous state in at-least one individual affected with Severe Hypertriglyceridemia and Pancreatitis (Abedi_2023). It was also identified in one individual without clinical information (Marmontel_2018). These reports do not provide unequivocal conclusions about association of the variant with Hypertriglyceridemia. One publication reports experimental evidence showing that this variant results in reduced LPL-GPIHBP1 binding, however, does not allow convincing conclusions about the disease pathogenicity (Voss_2011).The following publications have been ascertained in the context of this evaluation (PMID: 36689289, 29572815, 21518912). ClinVar contains an entry for this variant (Variation ID: 1301315). Based on the evidence outlined above, the variant was classified as VUS-possibly pathogenic.

Literature cited by the submitters: PubMed 29572815; PubMed 21518912; PubMed 36689289.

NM_000237.3(LPL):c.1394G>A (p.Cys465Tyr)

Gene: LPL (lipoprotein lipase; plus strand). Cytogenetic location: 8p21.3.
Variant type: single nucleotide variant.
Coding change: c.1394G>A on transcript NM_000237.3 (MANE Select); coding-DNA position 1394, G replaced by A.
Protein change: p.Cys465Tyr; replaces cysteine 465 with tyrosine.
Molecular consequence: missense variant.
Genome position (GRCh38, 1-based): chr8:19,962,186, G>A. VCF-style: chr8-19962186-G-A. GRCh37 (hg19) VCF-style: chr8-19819697-G-A.
Other names: short protein forms C465Y.
Identifiers: ClinVar variation 1301315 (VCV001301315.5), dbSNP rs2128839829, ClinGen allele CA370639090.